The following continues an entry in ClinVar:

NM_000518.5(HBB):c.93-21G>A

ClinVar aggregate classification (germline): Pathogenic. Pathogenic (1).

Submissions 8 to 21 of 43:

ARUP Laboratories, Molecular Genetics and Genomics, ARUP Laboratories
Classification: Pathogenic. Last evaluated: 2025-07-29. Review status: criteria provided, single submitter. Criteria: ARUP Molecular Germline Variant Investigation Process 2024. Collection method: clinical testing. Allele origin: germline. Not counted in ClinVar's aggregate classification.
Comment: The HBB c.93-21G>A variant (rs35004220, ClinVar ID: 15454, HbVar ID: 827), also known as IVS-I-110 G>A, is reported in the literature in multiple individuals affected with beta+ thalassemia (Carrocini 2017, Hussain 2017, Jalilian 2017). This variant is one of the most common beta-thalassemia alleles in Mediterranean and Middle-Eastern countries (Kaplan 1990, HbVar database and references therein). Based on available information, this variant is considered to be pathogenic. References: Link to HbVar database: Carrocini GCS et al. Mutational Profile of Homozygous beta-Thalassemia in Rio de Janeiro, Brazil. Hemoglobin. 2017 Jan;41(1):12-15. PMID: 28366028. Hussain A et al. Rare beta-Globin Gene Mutations in Pakistan. Hemoglobin. 2017 Mar;41(2):100-103. PMID: 28670940. Jalilian M et al. The Frequency of HBB Mutations Among beta-Thalassemia Patients in Hamadan Province, Iran. Hemoglobin. 2017 Jan;41(1):61-64. PMID: 28391758. Kaplan F et al. Beta-thalassemia genes in French-Canadians: haplotype and mutation analysis of Portneuf chromosomes. Am J Hum Genet. 1990 46(1):126-32. PMID: 1967205.

Institute of Human Genetics Munich, TUM University Hospital
Classification: Pathogenic for Beta-thalassemia HBB/LCRB. Last evaluated: 2025-07-01. Review status: criteria provided, single submitter. Criteria: Classification criteria August 2017. Collection method: clinical testing. Allele origin: germline. Inheritance: Autosomal dominant inheritance. Affected: yes. Observed: 1 variant allele. Not counted in ClinVar's aggregate classification.

Revvity Omics, Revvity
Classification: Pathogenic. Last evaluated: 2025-06-19. Review status: criteria provided, single submitter. Criteria: ACMG Guidelines, 2015. Collection method: clinical testing. Allele origin: germline. Not counted in ClinVar's aggregate classification.

Variantyx, Inc.
Classification: Pathogenic for Beta-thalassemia HBB/LCRB. Last evaluated: 2025-03-12. Review status: criteria provided, single submitter. Criteria: Variantyx Assertion Criteria 2022. Collection method: clinical testing. Allele origin: maternal. Not counted in ClinVar's aggregate classification.
Comment: Pathogenic variants in this gene have been associated with autosomal recessive beta-thalassemia. This variant creates an aberrant splice site and is expected to result in loss of function, which is a known disease mechanism for HBB in this disorder (PMID: 6895866, 20301599) (PVS1). This variant has been reported in the homozygous or compound heterozygous state in many unrelated, affected individuals (PMID: 6264477, 14555304, 2577233, 28060121, 28391758) (PM3_Very_Strong). This variant has a 0.0280% maximum allele frequency in non-founder control populations (PM2_Supporting). Based on the current evidence, this variant is classified as pathogenic for autosomal recessive beta-thalassemia.

Women's Health and Genetics/Laboratory Corporation of America, LabCorp
Classification: Pathogenic for Beta-thalassemia major. Last evaluated: 2025-03-05. Review status: criteria provided, single submitter. Criteria: LabCorp Variant Classification Summary - May 2015. Collection method: clinical testing. Allele origin: germline. Not counted in ClinVar's aggregate classification.
Comment: Variant summary: HBB c.93-21G>A is located at a position not widely known to affect splicing. At least one publication reports experimental evidence that this variant affects mRNA splicing. The variant allele was found at a frequency of 0.00016 in 250944 control chromosomes. This frequency is not significantly higher than estimated for a pathogenic variant in HBB causing Beta Thalassemia Major (0.00016 vs 0.011), allowing no conclusion about variant significance. c.93-21G>A has been reported in the literature in multiple individuals affected with Beta Thalassemia Major (e.g. Vichinsky_2005). These data indicate that the variant is very likely to be associated with disease. The following publications have been ascertained in the context of this evaluation (PMID: 12324499, 16291734). ClinVar contains an entry for this variant (Variation ID: 15454). Based on the evidence outlined above, the variant was classified as pathogenic.

Blueprint Genetics
Classification: Pathogenic for HBB-related disorders. Last evaluated: 2024-11-21. Review status: criteria provided, single submitter. Criteria: ACMG Guidelines, 2015. Collection method: clinical testing. Allele origin: germline. Affected: yes. Observed: 5 variant alleles. Not counted in ClinVar's aggregate classification.

Genetics Laboratory, Al-Manara University for Medical Sciences
Classification: Pathogenic for Beta-thalassemia HBB/LCRB. Last evaluated: 2024-05-24. Review status: criteria provided, single submitter. Criteria: ACMG Guidelines, 2015. Collection method: research. Allele origin: germline. Affected: yes. Not counted in ClinVar's aggregate classification.
Comment: The HBB: c.93-21G>A (IVS-I-110 G->A) pathogenic variant in the HBB gene (NM_000518.5) located at intron 1, splice distance about -21 bases to the nearest splice site.The c.93-21G>A variant has been reported in numerous individuals with beta-thalassemia and is one of the most common beta-thalassemia alleles in Mediterranean and Middle-Eastern countries. This variant in the HBB gene has been ClinVar submitted previously in patients with beta thalassemia as pathogenic (Accessions: SCV001251768.1, SCV001194010.2, SCV003922245.1, SCV003929456.1, SCV002024965.3, SCV004847539.1 and more). This variant meets criteria to be classified as pathogenic for autosomal recessive beta thalassemia. ACMG/AMP Criteria applied: PP5_Very Strong, PM2_Supporting.

Fulgent Genetics
Classification: Pathogenic for Heinz body anemia; Hereditary persistence of fetal hemoglobin; Dominant beta-thalassemia; Hb SS disease; Malaria, susceptibility to; Beta-thalassemia HBB/LCRB; METHEMOGLOBINEMIA, BETA TYPE; Erythrocytosis, familial, 6. Last evaluated: 2024-05-03. Review status: criteria provided, single submitter. Criteria: ACMG Guidelines, 2015. Collection method: clinical testing. Allele origin: germline. Not counted in ClinVar's aggregate classification.

Genomic Medicine Center of Excellence, King Faisal Specialist Hospital and Research Centre
Classification: Likely pathogenic for Malaria, susceptibility to. Last evaluated: 2024-03-26. Review status: criteria provided, single submitter. Criteria: ACMG Guidelines, 2015. Collection method: clinical testing. Allele origin: germline. Not counted in ClinVar's aggregate classification.

Laboratory of Medical Genetics, National & Kapodistrian University of Athens
Classification: Pathogenic for Beta-thalassemia HBB/LCRB. Last evaluated: 2024-02-01. Review status: criteria provided, single submitter. Criteria: ACMG Guidelines, 2015. Collection method: curation. Allele origin: germline. Affected: no. Not counted in ClinVar's aggregate classification.

Quest Diagnostics Nichols Institute San Juan Capistrano
Classification: Pathogenic. Last evaluated: 2023-11-29. Review status: criteria provided, single submitter. Criteria: Quest Diagnostics criteria. Collection method: clinical testing. Allele origin: unknown. Not counted in ClinVar's aggregate classification.
Comment: The HBB c.93-21G>A variant has been reported in the published literature in multiple individuals affected with beta(+) thalassemia (PMIDs: 6264477 (1981), 6264391 (1981), 1390250 (1992), 30704988 (2019), 35330400 (2022), 37034522 (2023)). Studies have shown that this variant causes aberrant splicing in the majority of the expressed transcripts (PMIDs: 6292841 (1982), 6895866 (1981), 6956887 (1982), 8378346 (1993), 28868125 (2017), 30704988 (2019)). The frequency of this variant in the general population, 0.0037 (10/2668 chromosomes (Genome Aggregation Database)), is consistent with pathogenicity. Based on the available information, this variant is classified as pathogenic.

Department of Pathology and Laboratory Medicine, Sinai Health System
Classification: Pathogenic for erythrocytosis, familial, 6. Last evaluated: 2023-10-19. Review status: criteria provided, single submitter. Criteria: ACMG Guidelines, 2015. Collection method: research. Allele origin: germline. Not counted in ClinVar's aggregate classification.

Broad Center for Mendelian Genomics, Broad Institute of MIT and Harvard
Classification: Pathogenic for beta Thalassemia. Last evaluated: 2023-05-02. Review status: criteria provided, single submitter. Criteria: ACMG Guidelines, 2015. Collection method: curation. Allele origin: germline. Inheritance: Autosomal dominant inheritance. Not counted in ClinVar's aggregate classification.
Comment: The heterozygous c.93-21G>A variant in HBB was identified by our study in four affected members of one family with beta thalassemia. The c.93-21G>A variant in HBB has been identified in over 160 individuals with beta thalassemia (‚Äã‚ÄãPMID: 6264477, PMID: 6264391, PMID: 24106605, PMID: 28391758, PMID: 1390250, PMID: 2200760), but has been identified in 0.03% (37/128830) of European (non-Finnish) chromosomes by the Genome Aggregation Database (gnomAD; dbSNP ID: rs35004220). Although this variant has been seen in the general population in a heterozygous state, its frequency is low enough to be consistent with a recessive carrier frequency. This variant has also been reported in ClinVar (Variation ID: 15454) and has been interpreted as pathogenic by multiple submitters. Of these 160 individuals, 138 were homozygotes (PMID: 1390250, PMID: 28391758, PMID: 24106605, PMID: 2200760), and 11 were compound heterozygotes who carried pathogenic or likely pathogenic variants in trans (PMID: 2200760, ClinVar Variation ID: 15436, ClinVar Variation ID: 15402, ClinVar Variation ID: 15457, ClinVar Variation ID: 15239; PMID: 6264391, ClinVar Variation ID: 15060; PMID: 24106605, ClinVar Variation ID: 15402, ClinVar Variation ID: 15415), which increases the likelihood that the c.93-21G>A variant is pathogenic. RT-PCR analysis of RNA from affected tissue shows evidence of altered splicing of exon 2, resulting in 19bp insertion, frameshift, and premature truncation (PMID: 16421096); altered splicing was also seen in HeLa cells (PMID: 6895866) and in a humanized mouse model (PMID: 16421096). This variant is located in the 3' splice region. Computational tools predict a splicing impact, though this information is not predictive enough to determine pathogenicity. In summary, this variant meets criteria to be classified as pathogenic for autosomal recessive beta thalassemia. ACMG/AMP Criteria applied: PS3, PM2_Supporting, PM3_VeryStrong (Richards 2015).

Mayo Clinic Laboratories, Mayo Clinic
Classification: Pathogenic. Last evaluated: 2022-11-21. Review status: criteria provided, single submitter. Criteria: ACMG Guidelines, 2015. Collection method: clinical testing. Allele origin: germline. Observed: 2 variant alleles. Not counted in ClinVar's aggregate classification.